The following is an entry in ClinVar:

ClinVar aggregate classification (germline): Uncertain significance (3 of 4 stars; one submission).

Conditions:
Open-angle glaucoma. Identifiers: MedGen C0017612, MONDO:0005338, HP:0012108.

Submission:

ClinGen Glaucoma Variant Curation Expert Panel
Classification: Uncertain significance for Open-angle glaucoma. Last evaluated: 2025-12-03. Review status: reviewed by expert panel. Criteria: ClinGen Glaucoma ACMG Specifications V2.0.0 Approved. Collection method: curation. Allele origin: germline. Inheritance: Autosomal dominant inheritance.
Comment: The c.402A>G variant in MYOC is a synonymous variant (p.Gln134=). This variant was not found in any genetic ancestry group of gnomAD (v4.1.0), meeting the ≤ 0.0001 threshold set for PM2_Supporting in a genetic ancestry group of at least 10,000 alleles. The SpliceAI score = 0, which met the ≤ 0.1 threshold for BP4, suggesting that the variant does not impact MYOC function. This synonymous variant meets BP4, so BP7 is met. There was no functional evidence predicting a damaging or benign impact of this variant on MYOC function. Only 1 proband with primary open angle glaucoma had been reported (PMID: 16148883), not meeting the ≥ 2 probands threshold required to meet PS4_Supporting. In summary, this variant met the criteria to receive a score of -1 and to be classified as a variant of uncertain significance (uncertain significance classification range -1 to 5, adapted from PMID: 32720330) for primary open angle glaucoma based on the ACMG/AMP criteria met, as specified by the ClinGen Glaucoma VCEP (v2.0.0, 5 Dec 2024): BP4, BP7, PM2_Supporting.

NM_000261.2(MYOC):c.402A>G (p.Gln134=)

Gene: MYOC (myocilin; minus strand). Cytogenetic location: 1q24.3.
Variant type: single nucleotide variant.
Coding change: c.402A>G on transcript NM_000261.2 (MANE Select); coding-DNA position 402, A replaced by G.
Protein change: p.Gln134=; no amino-acid change (glutamine 134 retained).
Molecular consequence: synonymous variant.
Genome position (GRCh38, 1-based): chr1:171,652,210, T>C on the plus strand (A>G on the coding strand, the complement: MYOC is on the minus strand). VCF-style: chr1-171652210-T-C. GRCh37 (hg19) VCF-style: chr1-171621350-T-C.
Other names: NM_000261.2:c.402A>G.
Identifiers: ClinVar variation 1703225 (VCV001703225.2), dbSNP rs1558090457, ClinGen allele CA421939469.
Genomic context (GRCh38, chr1:171,652,210, plus strand): 5'-TTCCTCCAGAACTGACTTGTCTCGGAGGAGGTTGCTGTAGGCAGTCTCCAACTCTCTGGT[T>C]TGGGTTTCCAGCTGGTCCCGCTCCCGCCTCAGGGTGCCCAGCTCCCTCTGCAGCCCCTCC-3'
Protein context (NP_000252.1, residues 124-144): LRRERDQLET[Gln134=]TRELETAYSN